The following is an entry in ClinVar:

NM_000214.3(JAG1):c.405T>A (p.Leu135=)

Gene: JAG1 (jagged canonical Notch ligand 1; minus strand). Cytogenetic location: 20p12.2.
Variant type: single nucleotide variant.
Coding change: c.405T>A on transcript NM_000214.3 (MANE Select); coding-DNA position 405, T replaced by A.
Protein change: p.Leu135=; no amino-acid change (leucine 135 retained).
Molecular consequence: synonymous variant.
Genome position (GRCh38, 1-based): chr20:10,663,997, A>T on the plus strand (T>A on the coding strand, the complement: JAG1 is on the minus strand). VCF-style: chr20-10663997-A-T. GRCh37 (hg19) VCF-style: chr20-10644645-A-T.
Identifiers: ClinVar variation 3573298 (VCV003573298.2).

Conditions:
Arteriohepatic dysplasia. Also called: Alagille Syndrome. Identifiers: Orphanet 52, MedGen C0085280, MeSH D016738, MONDO:0007318.

Submission:

Gilbert/Spinner Lab, Children's Hospital of Philadelphia
No classification provided (evidence only). Condition: Alagille syndrome. Review status: no classification provided. Collection method: research. Allele origin: not applicable. Functional consequence: functionally_abnormal.
ClinVar note: "not provided" was previously submitted as the classification for the variant. However, the classification appeared to be based only on an observation of functional data so it was converted to no classification on 2025-07-30.